The following is an entry in ClinVar:

ClinVar aggregate classification (germline): Pathogenic (1 of 4 stars; one submission).

Conditions:
Multiple epiphyseal dysplasia type 4 (EDM4). Also called: SLC26A2-Related Multiple Epiphyseal Dysplasia; Multiple Epiphyseal Dysplasia, Recessive; MULTIPLE EPIPHYSEAL DYSPLASIA WITH BILAYERED PATELLAE; MULTIPLE EPIPHYSEAL DYSPLASIA WITH CLUBFOOT; MULTIPLE EPIPHYSEAL DYSPLASIA, AUTOSOMAL RECESSIVE. Identifiers: Orphanet 93307, MedGen C1847593, MONDO:0009189, OMIM 226900.
Diastrophic dysplasia (DTD). Also called: Diastrophic dwarfism. Identifiers: Orphanet 628, MedGen C0220726, MONDO:0009107, OMIM 222600.
Achondrogenesis, type IB (ACG1B). Also called: Achondrogenesis Type 1B. Identifiers: Orphanet 932, Orphanet 93298, MedGen C0265274, MONDO:0010966, OMIM 600972.
Atelosteogenesis type II (AO2). Also called: NEONATAL OSSEOUS DYSPLASIA I; Neonatal osseous dysplasia 1; SLC26A2-Related Atelosteogenesis. Identifiers: Orphanet 56304, MedGen C1850554, MONDO:0009727, OMIM 256050.

Submission:

Labcorp Genetics (formerly Invitae), Labcorp
Classification: Pathogenic for Atelosteogenesis type II; Multiple epiphyseal dysplasia type 4; Achondrogenesis, type IB; Diastrophic dysplasia. Last evaluated: 2025-10-23. Review status: criteria provided, single submitter. Criteria: Invitae Variant Classification Sherloc (09022015). Collection method: clinical testing. Allele origin: germline.
Comment: This sequence change creates a premature translational stop signal (p.Ile649Serfs*3) in the SLC26A2 gene. While this is not anticipated to result in nonsense mediated decay, it is expected to disrupt the last 91 amino acid(s) of the SLC26A2 protein. This variant is not present in population databases (gnomAD no frequency). This variant has not been reported in the literature in individuals affected with SLC26A2-related conditions. Algorithms developed to predict the effect of sequence changes on RNA splicing suggest that this variant may create or strengthen a splice site. This variant disrupts a region of the SLC26A2 protein in which other variant(s) (p.Ala715Val) have been determined to be pathogenic (PMID: 11448940, 15294877, 21077204). This suggests that this is a clinically significant region of the protein, and that variants that disrupt it are likely to be disease-causing. For these reasons, this variant has been classified as Pathogenic.

Literature cited by the submitters: PubMed 11448940; PubMed 15294877; PubMed 21077204.

NM_000112.4(SLC26A2):c.1946_1947del (p.Ile649fs)

Gene: SLC26A2 (solute carrier family 26 member 2; plus strand). Cytogenetic location: 5q32.
Variant type: Microsatellite.
Coding change: c.1946_1947del on transcript NM_000112.4 (MANE Select); coding-DNA positions 1946 to 1947, 2 bases deleted (TA; older notation c.1946_1947delTA).
Protein change: p.Ile649fs; shifts the reading frame from isoleucine 649.
Molecular consequence: frameshift variant.
Genome position (GRCh38, 1-based): chr5:149,981,539-149,981,540, TA deleted; deleting any 2 consecutive bases within chr5:149,981,537-149,981,540 gives the same sequence; the c. name uses the placement nearest the transcript's 3' end. VCF-style (leftmost placement, unchanged base first): chr5-149981536-CTA-C. GRCh37 (hg19) VCF-style: chr5-149361099-CTA-C.
Other names: short protein forms I649fs.
Identifiers: ClinVar variation 4786512 (VCV004786512.1).